The following is an entry in ClinVar:

ClinVar aggregate classification (germline): Uncertain significance (1 of 4 stars; one submission).

Allele frequency attached by ClinVar (database versions not stated): gnomAD exomes below 0.00001; gnomAD 0.00001; TOPMed 0.00001.
gnomAD v4.1: 3 of 1,611,982 alleles (0.00019%); highest among the groups gnomAD compares: Admixed American, 0.0033%; no homozygotes.

Submission:

Labcorp Genetics (formerly Invitae), Labcorp
Classification: Uncertain significance. Last evaluated: 2022-05-07. Review status: criteria provided, single submitter. Criteria: Invitae Variant Classification Sherloc (09022015). Collection method: clinical testing. Allele origin: germline.
Comment: In summary, the available evidence is currently insufficient to determine the role of this variant in disease. Therefore, it has been classified as a Variant of Uncertain Significance. Algorithms developed to predict the effect of missense changes on protein structure and function are either unavailable or do not agree on the potential impact of this missense change (SIFT: "Tolerated"; PolyPhen-2: "Possibly Damaging"; Align-GVGD: "Class C0"). This variant has not been reported in the literature in individuals affected with CCDC88A-related conditions. This variant is present in population databases (no rsID available, gnomAD 0.1%). This sequence change replaces alanine, which is neutral and non-polar, with glycine, which is neutral and non-polar, at codon 1601 of the CCDC88A protein (p.Ala1601Gly).

NM_001365480.1(CCDC88A):c.4805C>G (p.Ala1602Gly)

Gene: CCDC88A (coiled-coil domain containing 88A; minus strand). Cytogenetic location: 2p16.1.
Variant type: single nucleotide variant.
Coding change: c.4805C>G on transcript NM_001365480.1 (MANE Select); coding-DNA position 4805, C replaced by G.
Protein change: p.Ala1602Gly; replaces alanine 1602 with glycine.
Molecular consequence: missense variant.
Genome position (GRCh38, 1-based): chr2:55,299,859, G>C on the plus strand (C>G on the coding strand, the complement: CCDC88A is on the minus strand). VCF-style: chr2-55299859-G-C. GRCh37 (hg19) VCF-style: chr2-55526995-G-C.
Other names: c.4802C>G, p.Ala1601Gly (NM_001135597.2, NM_001254943.2); c.4721C>G, p.Ala1574Gly (NM_018084.5); short protein forms A1574G, A1601G, A1602G.
Identifiers: ClinVar variation 2414808 (VCV002414808.4), dbSNP rs1260951885, ClinGen allele CA346913133.